The following is an entry in ClinVar:

ClinVar aggregate classification (germline): Uncertain significance (1 of 4 stars; one submission).

gnomAD v4.1: 8 of 1,613,054 alleles (0.0005%); highest among the groups gnomAD compares: Non-Finnish European, 0.00068%; no homozygotes.

Submission:

Ambry Genetics
Classification: Uncertain significance. Last evaluated: 2024-11-25. Review status: criteria provided, single submitter. Criteria: Ambry Variant Classification Scheme 2023. Collection method: clinical testing. Allele origin: germline.
Comment: The p.P1278S variant (also known as c.3832C>T), located in coding exon 14 of the CDK12 gene, results from a C to T substitution at nucleotide position 3832. The proline at codon 1278 is replaced by serine, an amino acid with similar properties. This amino acid position is conserved. In addition, this alteration is predicted to be tolerated by in silico analysis. Based on the available evidence, the clinical significance of this variant remains unclear.

NM_016507.4(CDK12):c.3832C>T (p.Pro1278Ser)

Gene: CDK12 (cyclin dependent kinase 12; plus strand). Cytogenetic location: 17q12.
Variant type: single nucleotide variant.
Coding change: c.3832C>T on transcript NM_016507.4 (MANE Select); coding-DNA position 3832, C replaced by T.
Protein change: p.Pro1278Ser; replaces proline 1278 with serine.
Molecular consequence: missense variant.
Genome position (GRCh38, 1-based): chr17:39,530,675, C>T. VCF-style: chr17-39530675-C-T. GRCh37 (hg19) VCF-style: chr17-37686928-C-T.
Other names: c.3805C>T, p.Pro1269Ser (NM_015083.4); short protein forms P1278S, P1269S.
Identifiers: ClinVar variation 3489284 (VCV003489284.1).